The following is an entry in ClinVar:

ClinVar aggregate classification (germline): Uncertain significance (1 of 4 stars; one submission).

Conditions:
Charcot-Marie-Tooth disease, type I (CMT1). Also called: Charcot-Marie-Tooth disease type 1; Charcot-Marie-Tooth, Type 1. Identifiers: Orphanet 65753, MedGen C0751036, MONDO:0019011.

Submission:

Labcorp Genetics (formerly Invitae), Labcorp
Classification: Uncertain significance for Charcot-Marie-Tooth disease, type I. Last evaluated: 2018-05-20. Review status: criteria provided, single submitter. Criteria: Invitae Variant Classification Sherloc (09022015). Collection method: clinical testing. Allele origin: germline.
Comment: In summary, the available evidence is currently insufficient to determine the role of this variant in disease. Therefore, it has been classified as a Variant of Uncertain Significance. Algorithms developed to predict the effect of missense changes on protein structure and function (SIFT, PolyPhen-2, Align-GVGD) all suggest that this variant is likely to be tolerated, but these predictions have not been confirmed by published functional studies and their clinical significance is uncertain. This variant has not been reported in the literature in individuals with EGR2-related disease. This variant is not present in population databases (ExAC no frequency). This sequence change replaces alanine with glutamic acid at codon 187 of the EGR2 protein (p.Ala187Glu). The alanine residue is moderately conserved and there is a moderate physicochemical difference between alanine and glutamic acid.

NM_000399.5(EGR2):c.560C>A (p.Ala187Glu)

Gene: EGR2 (early growth response 2; minus strand). Cytogenetic location: 10q21.3.
Variant type: single nucleotide variant.
Coding change: c.560C>A on transcript NM_000399.5 (MANE Select); coding-DNA position 560, C replaced by A.
Protein change: p.Ala187Glu; replaces alanine 187 with glutamic acid.
Molecular consequence: missense variant.
Genome position (GRCh38, 1-based): chr10:62,814,078, G>T on the plus strand (C>A on the coding strand, the complement: EGR2 is on the minus strand). VCF-style: chr10-62814078-G-T. GRCh37 (hg19) VCF-style: chr10-64573838-G-T.
Other names: c.560C>A, p.Ala187Glu (NM_001136177.3, NM_001136178.2); c.410C>A, p.Ala137Glu (NM_001136179.3, NM_001321037.2); short protein forms A187E, A137E.
Identifiers: ClinVar variation 576866 (VCV000576866.8), dbSNP rs372491511, ClinGen allele CA377029954.